The following is an entry in ClinVar:

NM_181783.4(TMTC3):c.322C>T (p.Leu108Phe)

Gene: TMTC3 (transmembrane O-mannosyltransferase targeting cadherins 3; plus strand). Cytogenetic location: 12q21.32.
Variant type: single nucleotide variant.
Coding change: c.322C>T on transcript NM_181783.4 (MANE Select); coding-DNA position 322, C replaced by T.
Protein change: p.Leu108Phe; replaces leucine 108 with phenylalanine.
Molecular consequence: missense variant. On other transcripts: non-coding transcript variant (1), intron variant (2).
Genome position (GRCh38, 1-based): chr12:88,153,423, C>T. VCF-style: chr12-88153423-C-T. GRCh37 (hg19) VCF-style: chr12-88547200-C-T.
Other names: c.142C>T, p.Leu48Phe (NM_001366574.1); c.55C>T, p.Leu19Phe (NM_001366580.1); c.190-865C>T (NM_001366579.1); c.-285-865C>T (NM_001366583.1); short protein forms L19F, L108F, L48F.
Identifiers: ClinVar variation 2104112 (VCV002104112.4), dbSNP rs2501944991, ClinGen allele CA385994084.

ClinVar aggregate classification (germline): Uncertain significance (1 of 4 stars; one submission).

Submission:

Labcorp Genetics (formerly Invitae), Labcorp
Classification: Uncertain significance. Last evaluated: 2022-03-04. Review status: criteria provided, single submitter. Criteria: Invitae Variant Classification Sherloc (09022015). Collection method: clinical testing. Allele origin: germline.
Comment: This sequence change replaces leucine, which is neutral and non-polar, with phenylalanine, which is neutral and non-polar, at codon 108 of the TMTC3 protein (p.Leu108Phe). This variant is not present in population databases (gnomAD no frequency). This variant has not been reported in the literature in individuals affected with TMTC3-related conditions. Algorithms developed to predict the effect of missense changes on protein structure and function (SIFT, PolyPhen-2, Align-GVGD) all suggest that this variant is likely to be tolerated. In summary, the available evidence is currently insufficient to determine the role of this variant in disease. Therefore, it has been classified as a Variant of Uncertain Significance.